The following is an entry in ClinVar:

ClinVar aggregate classification (germline): Uncertain significance (1 of 4 stars; one submission).

Conditions:
DYRK1A-related intellectual disability syndrome (MRD7). Also called: Intellectual developmental disorder, autosomal dominant 7; DYRK1A Syndrome. Identifiers: Orphanet 464306, MedGen C5568143, MONDO:0013578, OMIM 614104.

Submission:

Labcorp Genetics (formerly Invitae), Labcorp
Classification: Uncertain significance for DYRK1A-related intellectual disability syndrome. Last evaluated: 2019-12-06. Review status: criteria provided, single submitter. Criteria: Invitae Variant Classification Sherloc (09022015). Collection method: clinical testing. Allele origin: germline.
Comment: This variant is not present in population databases (ExAC no frequency). This sequence change replaces serine with phenylalanine at codon 748 of the DYRK1A protein (p.Ser748Phe). The serine residue is highly conserved and there is a large physicochemical difference between serine and phenylalanine. In summary, the available evidence is currently insufficient to determine the role of this variant in disease. Therefore, it has been classified as a Variant of Uncertain Significance. Algorithms developed to predict the effect of missense changes on protein structure and function are either unavailable or do not agree on the potential impact of this missense change (SIFT: "Deleterious"; PolyPhen-2: "Probably Damaging"; Align-GVGD: "Class C15"). This variant has not been reported in the literature in individuals with DYRK1A-related conditions. ClinVar contains an entry for this variant (Variation ID: 472248).

NM_001347721.2(DYRK1A):c.2216C>T (p.Ser739Phe)

Gene: DYRK1A (dual specificity tyrosine phosphorylation regulated kinase 1A; plus strand). Cytogenetic location: 21q22.13.
Variant type: single nucleotide variant.
Coding change: c.2216C>T on transcript NM_001347721.2 (MANE Select); coding-DNA position 2216, C replaced by T.
Protein change: p.Ser739Phe; replaces serine 739 with phenylalanine.
Molecular consequence: missense variant. On other transcripts: 3 prime UTR variant (2).
Genome position (GRCh38, 1-based): chr21:37,512,482, C>T. VCF-style: chr21-37512482-C-T. GRCh37 (hg19) VCF-style: chr21-38884785-C-T.
Other names: c.2216C>T, p.Ser739Phe (NM_001347722.2, NM_130436.2); c.2129C>T, p.Ser710Phe (NM_001347723.2); c.2243C>T, p.Ser748Phe (NM_001396.5); c.*619C>T (NM_101395.2); c.*528C>T (NM_130438.2); short protein forms S748F, S739F, S710F.
Identifiers: ClinVar variation 472248 (VCV000472248.11), dbSNP rs887440216, ClinGen allele CA409941852.